The following is an entry in ClinVar:

NM_001378454.1(ALMS1):c.1721C>G (p.Ser574Cys)

Gene: ALMS1 (ALMS1 centrosome and basal body associated protein; plus strand). Cytogenetic location: 2p13.1.
Variant type: single nucleotide variant.
Coding change: c.1721C>G on transcript NM_001378454.1 (MANE Select); coding-DNA position 1721, C replaced by G.
Protein change: p.Ser574Cys; replaces serine 574 with cysteine.
Molecular consequence: missense variant.
Genome position (GRCh38, 1-based): chr2:73,448,248, C>G. VCF-style: chr2-73448248-C-G. GRCh37 (hg19) VCF-style: chr2-73675375-C-G.
Other names: c.1724C>G, p.Ser575Cys (NM_015120.4); short protein forms S574C, S575C.
Identifiers: ClinVar variation 3609626 (VCV003609626.1).

ClinVar aggregate classification (germline): Uncertain significance (1 of 4 stars; one submission).

Conditions:
Alstrom syndrome (ALMS). Identifiers: Orphanet 64, MedGen C0268425, MONDO:0008763, OMIM 203800.

gnomAD v4.1: 1 of 1,614,042 alleles (0.000062%); highest among the groups gnomAD compares: Non-Finnish European, 0.000085%; no homozygotes.

Submission:

Labcorp Genetics (formerly Invitae), Labcorp
Classification: Uncertain significance for Alstrom syndrome. Last evaluated: 2024-11-06. Review status: criteria provided, single submitter. Criteria: Invitae Variant Classification Sherloc (09022015). Collection method: clinical testing. Allele origin: germline.
Comment: This sequence change replaces serine, which is neutral and polar, with cysteine, which is neutral and slightly polar, at codon 575 of the ALMS1 protein (p.Ser575Cys). This variant is present in population databases (rs750591887, gnomAD 0.0009%). This variant has not been reported in the literature in individuals affected with ALMS1-related conditions. Experimental studies and prediction algorithms are not available or were not evaluated, and the functional significance of this variant is currently unknown. In summary, the available evidence is currently insufficient to determine the role of this variant in disease. Therefore, it has been classified as a Variant of Uncertain Significance.